The following is an entry in ClinVar:

ClinVar aggregate classification (germline): Uncertain significance (1 of 4 stars; one submission).

Allele frequency attached by ClinVar (database versions not stated): ExAC 0.00001; gnomAD 0.00001; TOPMed 0.00001.
gnomAD v4.1: 6 of 1,613,870 alleles (0.00037%); highest among the groups gnomAD compares: East Asian, 0.0022%; no homozygotes.

Submission:

Labcorp Genetics (formerly Invitae), Labcorp
Classification: Uncertain significance. Last evaluated: 2023-07-21. Review status: criteria provided, single submitter. Criteria: Invitae Variant Classification Sherloc (09022015). Collection method: clinical testing. Allele origin: germline.
Comment: In summary, the available evidence is currently insufficient to determine the role of this variant in disease. Therefore, it has been classified as a Variant of Uncertain Significance. Algorithms developed to predict the effect of missense changes on protein structure and function output the following: SIFT: "Not Available"; PolyPhen-2: "Not Available"; Align-GVGD: "Not Available". The threonine amino acid residue is found in multiple mammalian species, which suggests that this missense change does not adversely affect protein function. This variant has not been reported in the literature in individuals affected with POLD2-related conditions. This variant is present in population databases (rs774754887, gnomAD 0.002%). This sequence change replaces proline, which is neutral and non-polar, with threonine, which is neutral and polar, at codon 223 of the POLD2 protein (p.Pro223Thr).

NM_006230.4(POLD2):c.562C>A (p.Pro188Thr)

Gene: POLD2 (DNA polymerase delta 2, accessory subunit; minus strand). Cytogenetic location: 7p13.
Variant type: single nucleotide variant.
Coding change: c.562C>A on transcript NM_006230.4 (MANE Select); coding-DNA position 562, C replaced by A.
Protein change: p.Pro188Thr; replaces proline 188 with threonine.
Molecular consequence: missense variant.
Genome position (GRCh38, 1-based): chr7:44,117,152, G>T on the plus strand (C>A on the coding strand, the complement: POLD2 is on the minus strand). VCF-style: chr7-44117152-G-T. GRCh37 (hg19) VCF-style: chr7-44156751-G-T.
Other names: c.562C>A, p.Pro188Thr (NM_001127218.3, NM_001256879.2); short protein forms P188T.
Identifiers: ClinVar variation 3010741 (VCV003010741.3), dbSNP rs774754887, ClinGen allele CA4238810.